The following is an entry in ClinVar:

NM_005411.5(SFTPA1):c.292+6C>T

Gene: SFTPA1 (surfactant protein A1; plus strand). Cytogenetic location: 10q22.3.
Variant type: single nucleotide variant.
Coding change: c.292+6C>T on transcript NM_005411.5 (MANE Select); 6 bases into the intron after coding-DNA position 292, C replaced by T.
Molecular consequence: intron variant.
Genome position (GRCh38, 1-based): chr10:79,612,437, C>T. VCF-style: chr10-79612437-C-T. GRCh37 (hg19) VCF-style: chr10-81372193-C-T.
Other names: c.145+6C>T (NM_001164646.2); c.292+6C>T (NM_001164644.2, NM_001164647.1); c.190+6C>T (NM_001164645.2); c.337+6C>T (NM_001093770.3).
Identifiers: ClinVar variation 4882504 (VCV004882504.2).

ClinVar aggregate classification (germline): Uncertain significance (1 of 4 stars; one submission).

gnomAD v4.1: 3 of 1,612,722 alleles (0.00019%); highest among the groups gnomAD compares: Admixed American, 0.0033%; no homozygotes.

Submission:

Dasa
Classification: Uncertain significance. Last evaluated: 2025-09-10. Review status: criteria provided, single submitter. Criteria: DASA Assertion Criteria. Collection method: clinical testing. Allele origin: germline.
Comment: NM_005411.5(SFTPA1):c.292+6C>T is a splice-region variant. This variant is rare in population databases. Computational prediction algorithms are consistent with a benign effect. The currently available literature and clinical evidence are not sufficient to establish a definitive association between this variant and the reported condition. Therefore, this variant is classified as a variant of uncertain significance.